The following is an entry in ClinVar:

NM_001378120.1(MBD5):c.2511T>A (p.Ser837=)

Gene: MBD5 (methyl-CpG binding domain protein 5; plus strand). Cytogenetic location: 2q23.1.
Variant type: single nucleotide variant.
Coding change: c.2511T>A on transcript NM_001378120.1 (MANE Select); coding-DNA position 2511, T replaced by A.
Protein change: p.Ser837=; no amino-acid change (serine 837 retained).
Molecular consequence: synonymous variant.
Genome position (GRCh38, 1-based): chr2:148,470,454, T>A. VCF-style: chr2-148470454-T-A. GRCh37 (hg19) VCF-style: chr2-149228023-T-A.
Other names: c.2511T>A, p.Ser837= (NM_018328.5).
Identifiers: ClinVar variation 507654 (VCV000507654.1), dbSNP rs1553518827, ClinGen allele CA429447589.

ClinVar aggregate classification (germline): Likely benign (1 of 4 stars; one submission).

Submission:

GeneDx
Classification: Likely benign. Last evaluated: 2017-03-03. Review status: criteria provided, single submitter. Criteria: GeneDx Variant Classification (06012015). Collection method: clinical testing. Allele origin: germline. Affected: yes.
Comment: This variant is considered likely benign or benign based on one or more of the following criteria: it is a conservative change, it occurs at a poorly conserved position in the protein, it is predicted to be benign by multiple in silico algorithms, and/or has population frequency not consistent with disease.